The following is an entry in ClinVar:

ClinVar aggregate classification (germline): Likely pathogenic (1 of 4 stars; one submission).

Conditions:
Dilated cardiomyopathy 1G (CMD1G). Identifiers: Orphanet 154, MedGen C1858763, MONDO:0011400, OMIM 604145.
Autosomal recessive limb-girdle muscular dystrophy type 2J (LGMDR10). Also called: MUSCULAR DYSTROPHY, LIMB-GIRDLE, AUTOSOMAL RECESSIVE 10; Limb-girdle muscular dystrophy, type 2J. Identifiers: Orphanet 140922, MedGen C1837342, MONDO:0012127, OMIM 608807.

Submission:

Labcorp Genetics (formerly Invitae), Labcorp
Classification: Likely pathogenic for Dilated cardiomyopathy 1G; Autosomal recessive limb-girdle muscular dystrophy type 2J. Last evaluated: 2022-04-28. Review status: criteria provided, single submitter. Criteria: Invitae Variant Classification Sherloc (09022015). Collection method: clinical testing. Allele origin: germline.
Comment: In summary, the currently available evidence indicates that the variant is pathogenic, but additional data are needed to prove that conclusively. Therefore, this variant has been classified as Likely Pathogenic. This variant is located in the A band of TTN (PMID: 25589632). Truncating variants in this region are significantly overrepresented in patients affected with dilated cardiomyopathy (PMID: 25589632). Truncating variants in this region have also been reported in individuals affected with autosomal recessive centronuclear myopathy (PMID: 23975875). This variant has not been reported in the literature in individuals affected with TTN-related conditions. This variant is not present in population databases (gnomAD no frequency). This sequence change creates a premature translational stop signal (p.Val23037Asnfs*4) in the TTN gene. While this is not anticipated to result in nonsense mediated decay, it is expected to create a truncated TTN protein.

Literature cited by the submitters: PubMed 25589632; PubMed 23975875.

NM_001267550.2(TTN):c.69105_69108dup (p.Val23037fs)

Genes: TTN (titin; minus strand), TTN-AS1 (TTN antisense RNA 1; plus strand). Cytogenetic location: 2q31.2.
Variant type: Duplication.
Coding change: c.69105_69108dup on transcript NM_001267550.2 (MANE Select); coding-DNA positions 69105 to 69108, 4 bases duplicated (AACA; older notation c.69105_69108dupAACA).
Protein change: p.Val23037fs; shifts the reading frame from valine 23037.
Molecular consequence: frameshift variant.
Genome position (GRCh38, 1-based): chr2:178,577,227-178,577,230, TGTT duplicated on the plus strand (AACA on the coding strand, the reverse complement: TTN is on the minus strand). VCF-style (leftmost placement, unchanged base first): chr2-178577226-C-CTGTT. GRCh37 (hg19) VCF-style: chr2-179441953-C-CTGTT.
Other names: c.64182_64185dup, p.Val21396fs (NM_001256850.1); c.41910_41913dup, p.Val13972fs (NM_003319.4); c.61401_61404dup, p.Val20469fs (NM_133378.4); c.42285_42288dup, p.Val14097fs (NM_133432.3); c.42486_42489dup, p.Val14164fs (NM_133437.4); short protein forms V14164fs, V23037fs, V21396fs, V13972fs, V14097fs, V20469fs.
Identifiers: ClinVar variation 2131187 (VCV002131187.4), dbSNP rs2468771000, ClinGen allele CA2580064946.
Genomic context (GRCh38, chr2:178,577,226, plus strand): 5'-CTTTTTCAGCAGAAACATTACTGATTTCAACAGGACCTGGGGGACCAGGTACATCAAGGA[C>CTGTT]TGTTACCTTCACATGTTCCACCTTCGTGCCAAAAGGATTGGTAGCAGTGATGGTATATTC-3'